The following is an entry in ClinVar:

NM_006231.4(POLE):c.3296T>A (p.Phe1099Tyr)

Gene: POLE (DNA polymerase epsilon, catalytic subunit; minus strand). Cytogenetic location: 12q24.33.
Variant type: single nucleotide variant.
Coding change: c.3296T>A on transcript NM_006231.4 (MANE Select); coding-DNA position 3296, T replaced by A.
Protein change: p.Phe1099Tyr; replaces phenylalanine 1099 with tyrosine.
Molecular consequence: missense variant.
Genome position (GRCh38, 1-based): chr12:132,657,950, A>T on the plus strand (T>A on the coding strand, the complement: POLE is on the minus strand). VCF-style: chr12-132657950-A-T. GRCh37 (hg19) VCF-style: chr12-133234536-A-T.
Other names: short protein forms F1099Y.
Identifiers: ClinVar variation 4844261 (VCV004844261.1).

ClinVar aggregate classification (germline): Uncertain significance (1 of 4 stars; one submission).

Conditions:
Hereditary cancer-predisposing syndrome. Also called: Neoplastic Syndromes, Hereditary; Tumor predisposition; Hereditary Cancer Syndrome; Hereditary neoplastic syndrome. Identifiers: Orphanet 140162, MedGen C0027672, MeSH D009386, MONDO:0015356.

Submission:

Ambry Genetics
Classification: Uncertain significance for Hereditary cancer-predisposing syndrome. Last evaluated: 2026-01-29. Review status: criteria provided, single submitter. Criteria: Ambry Variant Classification Scheme 2023. Collection method: clinical testing. Allele origin: germline.
Comment: The p.F1099Y variant (also known as c.3296T>A), located in coding exon 27 of the POLE gene, results from a T to A substitution at nucleotide position 3296. The phenylalanine at codon 1099 is replaced by tyrosine, an amino acid with highly similar properties. This amino acid position is highly conserved in available vertebrate species. In addition, the in silico prediction for this alteration is inconclusive. Based on the available evidence, the clinical significance of this variant remains unclear.